The following is an entry in ClinVar:

NM_018979.4(WNK1):c.148A>G (p.Arg50Gly)

Gene: WNK1 (WNK lysine deficient protein kinase 1; plus strand). Cytogenetic location: 12p13.33.
Variant type: single nucleotide variant.
Coding change: c.148A>G on transcript NM_018979.4 (MANE Select); coding-DNA position 148, A replaced by G.
Protein change: p.Arg50Gly; replaces arginine 50 with glycine.
Molecular consequence: missense variant.
Genome position (GRCh38, 1-based): chr12:753,713, A>G. VCF-style: chr12-753713-A-G. GRCh37 (hg19) VCF-style: chr12-862879-A-G.
Other names: c.148A>G, p.Arg50Gly (NM_001184985.2, NM_014823.3, NM_213655.5); c.148A>G (NM_213655.4); short protein forms R50G.
Identifiers: ClinVar variation 1994267 (VCV001994267.5), dbSNP rs1054625011, ClinGen allele CA231463751.

ClinVar aggregate classification (germline): Uncertain significance (1 of 4 stars; one submission).

Conditions:
Neuropathy, hereditary sensory and autonomic, type 2A (HSAN2A). Also called: MORVAN DISEASE; NEUROPATHY, CONGENITAL SENSORY; NEUROPATHY, HEREDITARY SENSORY RADICULAR, AUTOSOMAL RECESSIVE; NEUROPATHY, HEREDITARY SENSORY, TYPE IIA; NEUROPATHY, PROGRESSIVE SENSORY, OF CHILDREN; ACROOSTEOLYSIS, GIACCAI TYPE. Identifiers: Orphanet 970, MedGen C2752089, MONDO:0024309, OMIM 201300.
Pseudohypoaldosteronism type 2C (PHA2C). Also called: Pseudohypoaldosteronism Type IIC. Identifiers: Orphanet 757, Orphanet 88940, MedGen C1840391, MONDO:0013778, OMIM 614492.
Congenital bile acid synthesis defect 3. Identifiers: Orphanet 79302, MedGen C3151147, MONDO:0013439, OMIM 613812.

Allele frequency attached by ClinVar (database versions not stated): gnomAD exomes below 0.00001; TOPMed 0.00001.
gnomAD v4.1: 2 of 1,612,020 alleles (0.00012%); highest among the groups gnomAD compares: African/African-American, 0.0013%; no homozygotes.

Submission:

Labcorp Genetics (formerly Invitae), Labcorp
Classification: Uncertain significance for Neuropathy, hereditary sensory and autonomic, type 2A; Pseudohypoaldosteronism type 2C. Last evaluated: 2022-05-14. Review status: criteria provided, single submitter. Criteria: Invitae Variant Classification Sherloc (09022015). Collection method: clinical testing. Allele origin: germline.
Comment: This sequence change replaces arginine, which is basic and polar, with glycine, which is neutral and non-polar, at codon 50 of the WNK1 protein (p.Arg50Gly). In summary, the available evidence is currently insufficient to determine the role of this variant in disease. Therefore, it has been classified as a Variant of Uncertain Significance. Advanced modeling of protein sequence and biophysical properties (such as structural, functional, and spatial information, amino acid conservation, physicochemical variation, residue mobility, and thermodynamic stability) performed at Invitae indicates that this missense variant is not expected to disrupt WNK1 protein function. This variant has not been reported in the literature in individuals affected with WNK1-related conditions. This variant is not present in population databases (gnomAD no frequency).